The following is an entry in ClinVar:

ClinVar aggregate classification (germline): Benign (1 of 4 stars; one submission).

Conditions:
Occult macular dystrophy (OCMD). Also called: OCCULT MACULAR DYSTROPHY, SUSCEPTIBILITY TO; OMD. Identifiers: Orphanet 247834, MedGen C3150833, MONDO:0013316, OMIM 613587, HP:0030636.

Allele frequency attached by ClinVar (database versions not stated): 1000 Genomes Project 30x 0.00156; TOPMed 0.00002.
gnomAD v4.1: 465 of 1,613,798 alleles (0.029%); highest among the groups gnomAD compares: South Asian, 0.47%; 7 homozygotes.

Submission:

Illumina Laboratory Services, Illumina
Classification: Benign for Occult macular dystrophy. Last evaluated: 2018-01-13. Review status: criteria provided, single submitter. Criteria: ICSL Variant Classification Criteria 13 December 2019. Collection method: clinical testing. Allele origin: germline.
Comment: This variant was observed in the ICSL laboratory as part of a predisposition screen in an ostensibly healthy population. It had not been previously curated by ICSL or reported in the Human Gene Mutation Database (HGMD: prior to June 1st, 2018), and was therefore a candidate for classification through an automated scoring system. Utilizing variant allele frequency, disease prevalence and penetrance estimates, and inheritance mode, an automated score was calculated to assess if this variant is too frequent to cause the disease. Based on the score and internal cut-off values, a variant classified as benign is not then subjected to further curation. The score for this variant resulted in a classification of benign for this disease.

NM_178857.6(RP1L1):c.2127G>A (p.Ser709=)

Gene: RP1L1 (RP1 like 1). Cytogenetic location: 8p23.1.
Variant type: single nucleotide variant.
Coding change: c.2127G>A on transcript NM_178857.6 (MANE Select); coding-DNA position 2127, G replaced by A.
Protein change: p.Ser709=; no amino-acid change (serine 709 retained).
Molecular consequence: synonymous variant.
Genome position (GRCh38, 1-based): chr8:10,611,971, C>T on the plus strand (G>A on the coding strand, the complement: RP1L1 is on the minus strand). VCF-style: chr8-10611971-C-T. GRCh37 (hg19) VCF-style: chr8-10469481-C-T.
Identifiers: ClinVar variation 908624 (VCV000908624.4), dbSNP rs367955605, ClinGen allele CA4624932.